The following is an entry in ClinVar:

NM_033064.5(ATCAY):c.429G>A (p.Thr143=)

Gene: ATCAY (ATCAY kinesin light chain interacting caytaxin; plus strand). Cytogenetic location: 19p13.3.
Variant type: single nucleotide variant.
Coding change: c.429G>A on transcript NM_033064.5 (MANE Select); coding-DNA position 429, G replaced by A.
Protein change: p.Thr143=; no amino-acid change (threonine 143 retained).
Molecular consequence: synonymous variant.
Genome position (GRCh38, 1-based): chr19:3,907,804, G>A. VCF-style: chr19-3907804-G-A. GRCh37 (hg19) VCF-style: chr19-3907802-G-A.
Identifiers: ClinVar variation 726460 (VCV000726460.11), dbSNP rs781683142, ClinGen allele CA9087173.

ClinVar aggregate classification (germline): Likely benign. Review status: criteria provided, multiple submitters, no conflicts (2 of 4 stars). 4 submissions from 4 submitters: Likely benign (3). 1 of the submissions does not count toward it. Last evaluated 2026-01-01.

Conditions:
ATCAY-related disorder. Also called: ATCAY-related condition.

Allele frequency attached by ClinVar (database versions not stated): ExAC 0.00011; gnomAD 0.00014 and 0.00016; gnomAD exomes 0.00014 and 0.00020; TOPMed 0.00016.
gnomAD v4.1: 315 of 1,613,876 alleles (0.02%); highest among the groups gnomAD compares: Middle Eastern, 0.099%; no homozygotes.

Submissions (4):

CeGaT Center for Human Genetics Tuebingen
Classification: Likely benign. Last evaluated: 2026-01-01. Review status: criteria provided, single submitter. Criteria: CeGaT Center For Human Genetics Tuebingen Variant Classification Criteria Version 2. Collection method: clinical testing. Allele origin: germline. Affected: yes. Observed: 1 variant allele.
Comment: ATCAY: BP4, BP7

Blueprint Genetics
Classification: Likely benign. Last evaluated: 2024-10-15. Review status: criteria provided, single submitter. Criteria: ACMG Guidelines, 2015. Collection method: clinical testing. Allele origin: germline.

Labcorp Genetics (formerly Invitae), Labcorp
Classification: Likely benign. Last evaluated: 2019-12-31. Review status: criteria provided, single submitter. Criteria: Invitae Variant Classification Sherloc (09022015). Collection method: clinical testing. Allele origin: germline.

PreventionGenetics, part of Exact Sciences
Classification: Likely benign for ATCAY-related condition. Last evaluated: 2019-05-07. Review status: no assertion criteria provided. Collection method: clinical testing. Allele origin: germline. Not counted in ClinVar's aggregate classification.
Comment: This variant is classified as likely benign based on ACMG/AMP sequence variant interpretation guidelines (Richards et al. 2015 PMID: 25741868, with internal and published modifications).